The following is an entry in ClinVar:

NM_152384.3(BBS5):c.475C>T (p.His159Tyr)

Gene: BBS5 (Bardet-Biedl syndrome 5; plus strand). Cytogenetic location: 2q31.1.
Variant type: single nucleotide variant.
Coding change: c.475C>T on transcript NM_152384.3 (MANE Select); coding-DNA position 475, C replaced by T.
Protein change: p.His159Tyr; replaces histidine 159 with tyrosine.
Molecular consequence: missense variant.
Genome position (GRCh38, 1-based): chr2:169,492,962, C>T. VCF-style: chr2-169492962-C-T. GRCh37 (hg19) VCF-style: chr2-170349472-C-T.
Other names: short protein forms H159Y.
Identifiers: ClinVar variation 944303 (VCV000944303.8), dbSNP rs757525125, ClinGen allele CA1956213.

ClinVar aggregate classification (germline): Uncertain significance. Review status: criteria provided, multiple submitters, no conflicts (2 of 4 stars). 4 submissions from 4 submitters: Uncertain significance (3). 1 of the submissions does not count toward it. Last evaluated 2023-03-07.

Conditions:
BBS5-related disorder. Also called: BBS5-related condition.
Bardet-Biedl syndrome (BBS). Identifiers: Orphanet 110, MedGen C0752166, MONDO:0015229.
Bardet-Biedl syndrome 5 (BBS5). Identifiers: Orphanet 110, MedGen C3892039, MONDO:0014434, OMIM 615983.

Allele frequency attached by ClinVar (database versions not stated): TOPMed below 0.00001; ExAC 0.00002; gnomAD exomes 0.00002 and 0.00004.
gnomAD v4.1: 23 of 1,613,486 alleles (0.0014%); highest among the groups gnomAD compares: Admixed American, 0.012%; no homozygotes.

Submissions (4):

Blueprint Genetics
Classification: Uncertain significance. Last evaluated: 2023-03-07. Review status: criteria provided, single submitter. Criteria: ACMG Guidelines, 2015. Collection method: clinical testing. Allele origin: germline.

Labcorp Genetics (formerly Invitae), Labcorp
Classification: Uncertain significance for Bardet-Biedl syndrome. Last evaluated: 2022-02-24. Review status: criteria provided, single submitter. Criteria: Invitae Variant Classification Sherloc (09022015). Collection method: clinical testing. Allele origin: germline.
Comment: This sequence change replaces histidine, which is basic and polar, with tyrosine, which is neutral and polar, at codon 159 of the BBS5 protein (p.His159Tyr). This variant is present in population databases (rs757525125, gnomAD 0.02%). This variant has not been reported in the literature in individuals affected with BBS5-related conditions. ClinVar contains an entry for this variant (Variation ID: 944303). Algorithms developed to predict the effect of missense changes on protein structure and function (SIFT, PolyPhen-2, Align-GVGD) all suggest that this variant is likely to be tolerated. In summary, the available evidence is currently insufficient to determine the role of this variant in disease. Therefore, it has been classified as a Variant of Uncertain Significance.

Fulgent Genetics
Classification: Uncertain significance for Bardet-Biedl syndrome 5. Last evaluated: 2021-07-06. Review status: criteria provided, single submitter. Criteria: ACMG Guidelines, 2015. Collection method: clinical testing. Allele origin: unknown.

PreventionGenetics, part of Exact Sciences
Classification: Uncertain significance for BBS5-related condition. Last evaluated: 2024-05-09. Review status: no assertion criteria provided. Collection method: clinical testing. Allele origin: germline. Not counted in ClinVar's aggregate classification.
Comment: The BBS5 c.475C>T variant is predicted to result in the amino acid substitution p.His159Tyr. To our knowledge, this variant has not been reported in the literature. This variant is reported in 0.030% of alleles in individuals of Ashkenazi Jewish descent in gnomAD. At this time, the clinical significance of this variant is uncertain due to the absence of conclusive functional and genetic evidence.